The following is an entry in ClinVar:

ClinVar aggregate classification (germline): Uncertain significance (1 of 4 stars; one submission).

Conditions:
Hereditary cancer-predisposing syndrome. Also called: Neoplastic Syndromes, Hereditary; Tumor predisposition; Hereditary neoplastic syndrome; Hereditary Cancer Syndrome. Identifiers: Orphanet 140162, MedGen C0027672, MeSH D009386, MONDO:0015356.

Submission:

Ambry Genetics
Classification: Uncertain significance for Hereditary cancer-predisposing syndrome. Last evaluated: 2026-07-06. Review status: criteria provided, single submitter. Criteria: Ambry Variant Classification Scheme 2023. Collection method: clinical testing. Allele origin: germline.
Comment: The p.D505N variant (also known as c.1513G>A), located in coding exon 10 of the FH gene, results from a G to A substitution at nucleotide position 1513. The aspartic acid at codon 505 is replaced by asparagine, an amino acid with highly similar properties. This amino acid position is conserved. In addition, this alteration is predicted to be tolerated by in silico analysis. Based on the available evidence, the clinical significance of this variant remains unclear.

NM_000143.4(FH):c.1513G>A (p.Asp505Asn)

Gene: FH (fumarate hydratase; minus strand). Cytogenetic location: 1q43.
Variant type: single nucleotide variant.
Coding change: c.1513G>A on transcript NM_000143.4 (MANE Select); coding-DNA position 1513, G replaced by A.
Protein change: p.Asp505Asn; replaces aspartic acid 505 with asparagine.
Molecular consequence: missense variant.
Genome position (GRCh38, 1-based): chr1:241,497,848, C>T on the plus strand (G>A on the coding strand, the complement: FH is on the minus strand). VCF-style: chr1-241497848-C-T. GRCh37 (hg19) VCF-style: chr1-241661148-C-T.
Other names: short protein forms D505N.
Identifiers: ClinVar variation 5021733 (VCV005021733.1).